The following is an entry in ClinVar:

NM_014491.4(FOXP2):c.958C>T (p.Gln320Ter)

Gene: FOXP2 (forkhead box P2; plus strand). Cytogenetic location: 7q31.1.
Variant type: single nucleotide variant.
Coding change: c.958C>T on transcript NM_014491.4 (MANE Select); coding-DNA position 958, C replaced by T.
Protein change: p.Gln320Ter; replaces glutamine 320 with a stop codon.
Molecular consequence: nonsense. On other transcripts: non-coding transcript variant (2).
Genome position (GRCh38, 1-based): chr7:114,642,592, C>T. VCF-style: chr7-114642592-C-T. GRCh37 (hg19) VCF-style: chr7-114282647-C-T.
Other names: c.1009C>T, p.Gln337Ter (NM_148900.4); c.955C>T, p.Gln319Ter (NM_001172766.3); c.1033C>T, p.Gln345Ter (NM_001172767.2, NM_148898.4); c.-392C>T (NM_001172777.1); c.958C>T, p.Gln320Ter (NM_148899.3); short protein forms Q319*, Q320*, Q337*, Q345*.
Identifiers: ClinVar variation 2633283 (VCV002633283.1), dbSNP rs2485386367, ClinGen allele CA368963594.

ClinVar aggregate classification (germline): Likely pathogenic (1 of 4 stars; one submission).

Conditions:
FOXP2-related disorder. Also called: FOXP2-related condition.

Submission:

PreventionGenetics, part of Exact Sciences
Classification: Likely pathogenic for FOXP2-related condition. Last evaluated: 2023-05-16. Review status: criteria provided, single submitter. Criteria: ACMG Guidelines, 2015. Collection method: clinical testing. Allele origin: germline.
Comment: The FOXP2 c.958C>T variant is predicted to result in premature protein termination (p.Gln320*). To our knowledge, this variant has not been reported in the literature or in a large population database, indicating this variant is rare. Nonsense variants in FOXP2 are expected to be pathogenic. This variant is interpreted as likely pathogenic.